The following is an entry in ClinVar:

ClinVar aggregate classification (germline): Likely pathogenic (3 of 4 stars; one submission).

Conditions:
Phenylketonuria (PKU). Also called: FOLLING DISEASE; OLIGOPHRENIA PHENYLPYRUVICA; Phenylketonurias; Phenylketonuria (PKU). Identifiers: Orphanet 716, MedGen C0031485, MONDO:0009861, OMIM 261600. Disease mechanism: loss of function.

Submission:

ClinGen PAH Variant Curation Expert Panel
Classification: Likely pathogenic for Phenylketonuria. Last evaluated: 2025-10-12. Review status: reviewed by expert panel. Criteria: ClinGen PAH ACMG Specifications v1. Collection method: curation. Allele origin: germline. Inheritance: Autosomal recessive inheritance.
Comment: The NM_000277.3(PAH):c.911A>C variant is PAH is a missense variant predicted to cause substitution of glutamine by proline at amino acid 304 (p.Gln304Pro). At least one patient with this variant displayed plasma phenylalanine concentration persistently above 120umol/L (2mg/dL) (PP4, PMID: 19292873). This individual was compound heterozygous for the variant and a pathogenic variant (p.Leu48Ser) in unknown phase (PM3_supporting, PMID: 19292873). This variant is absent from gnomAD v4.1.0 (PM2_Supporting). The residual enzyme activity measured on total protein extracts in transfected cells showed <50% enzyme activity in vitro with < 10 benign/pathogenic variant controls indicating that this variant impacts protein function (PS3_supporting, PMID: 19292873). The computational predictor REVEL gives a score of 0.984, which meets the threshold of 0.932, evidence that correlates with strong impact to PAH function (PP3_Strong). In summary, this variant meets criteria to be classified as likely pathogenic for PAH. PAH-specific ACMG/AMP criteria applied: PP4, PM3_suppoting, PM2_supporting, PS3_supporting, PP3_strong. Version 2.0, 7/16/2024.

NM_000277.3(PAH):c.911A>C (p.Gln304Pro)

Genes: PAH (phenylalanine hydroxylase; minus strand), LOC126861615 (CDK7 strongly-dependent group 2 enhancer GRCh37_chr12:103244689-103245888; plus strand). Cytogenetic location: 12q23.2.
Variant type: single nucleotide variant.
Coding change: c.911A>C on transcript NM_000277.3 (MANE Select); coding-DNA position 911, A replaced by C.
Protein change: p.Gln304Pro; replaces glutamine 304 with proline.
Molecular consequence: missense variant.
Genome position (GRCh38, 1-based): chr12:102,851,688, T>G on the plus strand (A>C on the coding strand, the complement: PAH is on the minus strand). VCF-style: chr12-102851688-T-G. GRCh37 (hg19) VCF-style: chr12-103245466-T-G.
Other names: NM_000277.3:c.911A>C; c.911A>C, p.Gln304Pro (NM_001354304.2); short protein forms Q304P.
Identifiers: ClinVar variation 4540586 (VCV004540586.1).